The following is an entry in ClinVar:

ClinVar aggregate classification (germline): Uncertain significance. Review status: criteria provided, multiple submitters, no conflicts (2 of 4 stars). 5 submissions from 5 submitters: Uncertain significance (5). Last evaluated 2026-04-10.

Conditions:
Primary ciliary dyskinesia. Also called: Ciliary dyskinesia. Identifiers: Orphanet 244, MedGen C0008780, MONDO:0016575, HP:0012265.
Primary ciliary dyskinesia 3. Identifiers: Orphanet 244, MedGen C1837618, MONDO:0012085, OMIM 608644.

Allele frequency attached by ClinVar (database versions not stated): TOPMed 0.00001.

Submissions (5):

Myriad Genetics, Inc.
Classification: Uncertain significance for Primary ciliary dyskinesia 3. Last evaluated: 2026-04-10. Review status: criteria provided, single submitter. Criteria: Myriad Autosomal Dominant, Autosomal Recessive and X-Linked Classification Criteria (2023). Collection method: clinical testing. Allele origin: unknown.
Comment: NM_001369.2(DNAH5):c.7444C>T(R2482W) is a missense variant classified as a variant of uncertain significance in the context of primary ciliary dyskinesia, DNAH5-related. R2482W has been observed in a case with relevant disease (PMID: 39004944). Relevant functional assessments of this variant are not available in the literature. R2482W has not been observed in referenced population frequency databases. In summary, there is insufficient evidence to classify NM_001369.2(DNAH5):c.7444C>T(R2482W) as pathogenic or benign. Please note: this variant was assessed in the context of healthy population screening.

3billion
Classification: Uncertain significance for Primary ciliary dyskinesia 3. Last evaluated: 2025-04-23. Review status: criteria provided, single submitter. Criteria: ACMG Guidelines, 2015. Collection method: clinical testing. Allele origin: germline. Affected: yes.

Blueprint Genetics
Classification: Uncertain significance. Last evaluated: 2024-09-03. Review status: criteria provided, single submitter. Criteria: ACMG Guidelines, 2015. Collection method: clinical testing. Allele origin: germline.

Labcorp Genetics (formerly Invitae), Labcorp
Classification: Uncertain significance for Primary ciliary dyskinesia. Last evaluated: 2021-08-13. Review status: criteria provided, single submitter. Criteria: Invitae Variant Classification Sherloc (09022015). Collection method: clinical testing. Allele origin: germline.
Comment: This sequence change replaces arginine with tryptophan at codon 2482 of the DNAH5 protein (p.Arg2482Trp). The arginine residue is highly conserved and there is a moderate physicochemical difference between arginine and tryptophan. The frequency data for this variant in the population databases is considered unreliable, as metrics indicate insufficient coverage at this position in the ExAC database. This missense change has been observed in individual(s) with clinical features of DNAH5-related conditions (Invitae). ClinVar contains an entry for this variant (Variation ID: 499115). Algorithms developed to predict the effect of missense changes on protein structure and function (SIFT, PolyPhen-2, Align-GVGD) all suggest that this variant is likely to be disruptive. In summary, the available evidence is currently insufficient to determine the role of this variant in disease. Therefore, it has been classified as a Variant of Uncertain Significance.

Eurofins Ntd Llc (ga)
Classification: Uncertain significance. Last evaluated: 2016-12-29. Review status: criteria provided, single submitter. Criteria: EGL Classification Definitions 2015. Collection method: clinical testing. Allele origin: germline. Observed: 1 variant allele, 1 heterozygote.

Literature cited by the submitters: PubMed 39004944 (cited by Myriad Genetics, Inc.).

NM_001369.3(DNAH5):c.7444C>T (p.Arg2482Trp)

Gene: DNAH5 (dynein axonemal heavy chain 5; minus strand). Cytogenetic location: 5p15.2.
Variant type: single nucleotide variant.
Coding change: c.7444C>T on transcript NM_001369.3 (MANE Select); coding-DNA position 7444, C replaced by T.
Protein change: p.Arg2482Trp; replaces arginine 2482 with tryptophan.
Molecular consequence: missense variant.
Genome position (GRCh38, 1-based): chr5:13,810,224, G>A on the plus strand (C>T on the coding strand, the complement: DNAH5 is on the minus strand). VCF-style: chr5-13810224-G-A. GRCh37 (hg19) VCF-style: chr5-13810333-G-A.
Other names: short protein forms R2482W.
Identifiers: ClinVar variation 499115 (VCV000499115.15), dbSNP rs1355327016, ClinGen allele CA359232348.
Genomic context (GRCh38, chr5:13,810,224, plus strand): 5'-GCCGTCCGTCCAGCTCCAGCGCCGCCCCCGCGCTCCACAGCAGCGCGAACACGAACAGCC[G>A]CCCCAGGTGAGCCTGGCTCACCTCCCCGCCTTGCTCCTGAGAAGGAAAGACACTTTTTTT-3'
Protein context (NP_001360.1, residues 2472-2492): GGEVSQAHLG[Arg2482Trp]LFVFALLWSA